The following is an entry in ClinVar:

NM_002529.4(NTRK1):c.1425C>T (p.Ser475=)

Gene: NTRK1 (neurotrophic receptor tyrosine kinase 1; plus strand). Cytogenetic location: 1q23.1.
Variant type: single nucleotide variant.
Coding change: c.1425C>T on transcript NM_002529.4 (MANE Select); coding-DNA position 1425, C replaced by T.
Protein change: p.Ser475=; no amino-acid change (serine 475 retained).
Molecular consequence: synonymous variant.
Genome position (GRCh38, 1-based): chr1:156,875,590, C>T. VCF-style: chr1-156875590-C-T. GRCh37 (hg19) VCF-style: chr1-156845382-C-T.
Other names: c.1317C>T, p.Ser439= (NM_001007792.1); c.1407C>T, p.Ser469= (NM_001012331.2); c.1425C>T (NM_002529.3).
Identifiers: ClinVar variation 1582035 (VCV001582035.9), dbSNP rs777693339, ClinGen allele CA1169323.
Genomic context (GRCh38, chr1:156,875,590, plus strand): 5'-GCTGGCTCCAGAGGATGGGCTGGCCATGTCCCTGCATTTCATGACATTGGGTGGCAGCTC[C>T]CTGTCCCCCACCGAGGGCAAAGGCTCTGGGCTCCAAGGCCACATCATCGAGAACCCACAA-3'
Protein context (NP_002520.2, residues 465-485): SLHFMTLGGS[Ser475=]LSPTEGKGSG

ClinVar aggregate classification (germline): Likely benign. Review status: criteria provided, multiple submitters, no conflicts (2 of 4 stars). 2 submissions from 2 submitters: Likely benign (2). Last evaluated 2026-01-05.

Conditions:
Hereditary insensitivity to pain with anhidrosis (CIPA). Also called: HSAN Type IV; INSENSITIVITY TO PAIN, CONGENITAL, WITH ANHIDROSIS; FAMILIAL DYSAUTONOMIA, TYPE II; NTRK1 Congenital Insensitivity to Pain with Anhidrosis; hereditary sensory and autonomic neuropathy type 4; NEUROPATHY, CONGENITAL SENSORY, WITH ANHIDROSIS. Identifiers: Orphanet 642, MedGen C0020074, MONDO:0009746, OMIM 256800.
NTRK1-related disorder. Also called: NTRK1-related condition.

Allele frequency attached by ClinVar (database versions not stated): gnomAD exomes below 0.00001; ExAC 0.00001; TOPMed 0.00003; gnomAD 0.00004 and 0.00005.
gnomAD v4.1: 9 of 1,613,770 alleles (0.00056%); highest among the groups gnomAD compares: African/African-American, 0.011%; no homozygotes.

Submissions (2):

Labcorp Genetics (formerly Invitae), Labcorp
Classification: Likely benign for Hereditary insensitivity to pain with anhidrosis. Last evaluated: 2026-01-05. Review status: criteria provided, single submitter. Criteria: Invitae Variant Classification Sherloc (09022015). Collection method: clinical testing. Allele origin: germline.

PreventionGenetics, part of Exact Sciences
Classification: Likely benign for NTRK1-related condition. Last evaluated: 2025-06-26. Review status: criteria provided, single submitter. Criteria: ACMG Guidelines, 2015. Collection method: clinical testing. Allele origin: germline.
Comment: This variant is classified as likely benign based on ACMG/AMP sequence variant interpretation guidelines (Richards et al. 2015 PMID: 25741868, with internal and published modifications).